The following is an entry in ClinVar:

NM_006230.4(POLD2):c.641G>A (p.Gly214Asp)

Gene: POLD2 (DNA polymerase delta 2, accessory subunit; minus strand). Cytogenetic location: 7p13.
Variant type: single nucleotide variant.
Coding change: c.641G>A on transcript NM_006230.4 (MANE Select); coding-DNA position 641, G replaced by A.
Protein change: p.Gly214Asp; replaces glycine 214 with aspartic acid.
Molecular consequence: missense variant.
Genome position (GRCh38, 1-based): chr7:44,116,956, C>T on the plus strand (G>A on the coding strand, the complement: POLD2 is on the minus strand). VCF-style: chr7-44116956-C-T. GRCh37 (hg19) VCF-style: chr7-44156555-C-T.
Other names: c.641G>A, p.Gly214Asp (NM_001127218.3, NM_001256879.2); short protein forms G214D.
Identifiers: ClinVar variation 2162094 (VCV002162094.4), dbSNP rs759046358, ClinGen allele CA4238773.

ClinVar aggregate classification (germline): Uncertain significance (1 of 4 stars; one submission).

Allele frequency attached by ClinVar (database versions not stated): ExAC 0.00003.

Submission:

Labcorp Genetics (formerly Invitae), Labcorp
Classification: Uncertain significance. Last evaluated: 2025-07-01. Review status: criteria provided, single submitter. Criteria: Invitae Variant Classification Sherloc (09022015). Collection method: clinical testing. Allele origin: germline.
Comment: This sequence change replaces glycine, which is neutral and non-polar, with aspartic acid, which is acidic and polar, at codon 249 of the POLD2 protein (p.Gly249Asp). This variant is present in population databases (rs759046358, gnomAD 0.002%). This variant has not been reported in the literature in individuals affected with POLD2-related conditions. ClinVar contains an entry for this variant (Variation ID: 2162094). Experimental studies and prediction algorithms are not available or were not evaluated, and the functional significance of this variant is currently unknown. In summary, the available evidence is currently insufficient to determine the role of this variant in disease. Therefore, it has been classified as a Variant of Uncertain Significance.